The following is an entry in ClinVar:

ClinVar aggregate classification (germline): Likely benign. Review status: criteria provided, multiple submitters, no conflicts (2 of 4 stars). 2 submissions from 2 submitters: Likely benign (2). Last evaluated 2026-01-25.

Conditions:
Congenital myotonia, autosomal recessive form. Also called: myotonia congenita, autosomal recessive; BECKER DISEASE; Becker Generalized Myotonia. Identifiers: Orphanet 614, MedGen C0751360, MONDO:0009715, OMIM 255700.
Congenital myotonia, autosomal dominant form (THD). Also called: THOMSEN DISEASE; Myotonia congenita autosomal dominant. Identifiers: Orphanet 614, MedGen C2936781, MONDO:0008055, OMIM 160800.

Allele frequency attached by ClinVar (database versions not stated): ExAC 0.00007; ESP Exome Variant Server 0.00015; gnomAD 0.00017 and 0.00019; TOPMed 0.00023.
gnomAD v4.1: 44 of 1,610,424 alleles (0.0027%); highest among the groups gnomAD compares: African/African-American, 0.059%; no homozygotes.

Submissions (2):

Labcorp Genetics (formerly Invitae), Labcorp
Classification: Likely benign for Congenital myotonia, autosomal recessive form; Congenital myotonia, autosomal dominant form. Last evaluated: 2026-01-25. Review status: criteria provided, single submitter. Criteria: Invitae Variant Classification Sherloc (09022015). Collection method: clinical testing. Allele origin: germline.

GeneDx
Classification: Likely benign. Last evaluated: 2016-12-01. Review status: criteria provided, single submitter. Criteria: GeneDx Variant Classification (06012015). Collection method: clinical testing. Allele origin: germline. Affected: yes.
Comment: This variant is considered likely benign or benign based on one or more of the following criteria: it is a conservative change, it occurs at a poorly conserved position in the protein, it is predicted to be benign by multiple in silico algorithms, and/or has population frequency not consistent with disease.

NM_000083.3(CLCN1):c.1583-12G>A

Gene: CLCN1 (chloride voltage-gated channel 1; plus strand). Cytogenetic location: 7q34.
Variant type: single nucleotide variant.
Coding change: c.1583-12G>A on transcript NM_000083.3 (MANE Select); 12 bases into the intron before coding-DNA position 1583, G replaced by A.
Molecular consequence: intron variant.
Genome position (GRCh38, 1-based): chr7:143,341,917, G>A. VCF-style: chr7-143341917-G-A. GRCh37 (hg19) VCF-style: chr7-143039010-G-A.
Identifiers: ClinVar variation 391220 (VCV000391220.8), dbSNP rs374736253, ClinGen allele CA4537433.